The following is an entry in ClinVar:

NM_000090.4(COL3A1):c.4385C>T (p.Pro1462Leu)

Gene: COL3A1 (collagen type III alpha 1 chain; plus strand). Cytogenetic location: 2q32.2.
Variant type: single nucleotide variant.
Coding change: c.4385C>T on transcript NM_000090.4 (MANE Select); coding-DNA position 4385, C replaced by T.
Protein change: p.Pro1462Leu; replaces proline 1462 with leucine.
Molecular consequence: missense variant.
Genome position (GRCh38, 1-based): chr2:189,011,758, C>T. VCF-style: chr2-189011758-C-T. GRCh37 (hg19) VCF-style: chr2-189876484-C-T.
Other names: short protein forms P1462L.
Identifiers: ClinVar variation 3346184 (VCV003346184.1).

ClinVar aggregate classification (germline): Uncertain significance (0 of 4 stars; one submission).

Conditions:
COL3A1-related disorder. Also called: COL3A1-related condition.

Submission:

PreventionGenetics, part of Exact Sciences
Classification: Uncertain significance for COL3A1-related condition. Last evaluated: 2024-09-10. Review status: no assertion criteria provided. Collection method: clinical testing. Allele origin: germline.
Comment: The COL3A1 c.4385C>T variant is predicted to result in the amino acid substitution p.Pro1462Leu. To our knowledge, this variant has not been reported in the literature. This variant is reported in 0.0018% of alleles in individuals of European (Non-Finnish) descent in gnomAD. At this time, the clinical significance of this variant is uncertain due to the absence of conclusive functional and genetic evidence.